The following is an entry in ClinVar:

NC_000005.9:g.(?_13917269)_(13919732_?)del

Gene: DNAH5 (dynein axonemal heavy chain 5; minus strand). Cytogenetic location: 5p15.2.
Variant type: Deletion.
Identifiers: ClinVar variation 1505455 (VCV001505455.12).

ClinVar aggregate classification (germline): Likely pathogenic (1 of 4 stars; one submission).

Conditions:
Primary ciliary dyskinesia. Also called: Ciliary dyskinesia. Identifiers: Orphanet 244, MedGen C0008780, MONDO:0016575, HP:0012265.

Submission:

Labcorp Genetics (formerly Invitae), Labcorp
Classification: Likely pathogenic for Primary ciliary dyskinesia. Last evaluated: 2021-03-05. Review status: criteria provided, single submitter. Criteria: Invitae Variant Classification Sherloc (09022015). Collection method: clinical testing. Allele origin: germline.
Comment: In summary, the currently available evidence indicates that the variant is pathogenic, but additional data are needed to prove that conclusively. Therefore, this variant has been classified as Likely Pathogenic. This variant has not been reported in the literature in individuals with DNAH5-related conditions. This variant results in the deletion of exon(s) 7 and part of exon 8 (c.799-271_1072delinsC) of the DNAH5 gene. It is expected to disrupt RNA splicing. Variants that disrupt the donor or acceptor splice site typically lead to a loss of protein function (PMID: 16199547), and loss-of-function variants in DNAH5 are known to be pathogenic (PMID: 11788826, 16627867).

Literature cited by the submitters: PubMed 16199547; PubMed 11788826; PubMed 16627867.